The following is an entry in ClinVar:

ClinVar aggregate classification (germline): Uncertain significance. Review status: criteria provided, multiple submitters, no conflicts (2 of 4 stars). 2 submissions from 2 submitters: Uncertain significance (2). Last evaluated 2025-11-17.

Conditions:
Catecholaminergic polymorphic ventricular tachycardia 1. Also called: VENTRICULAR TACHYCARDIA, CATECHOLAMINERGIC POLYMORPHIC, 1, WITH OR WITHOUT ATRIAL DYSFUNCTION AND/OR DILATED CARDIOMYOPATHY; VENTRICULAR TACHYCARDIA, STRESS-INDUCED POLYMORPHIC 1; RYR2-Related Catecholaminergic Polymorphic Ventricular Tachycardia. Identifiers: Orphanet 3286, MedGen C1631597, MONDO:0011484, OMIM 604772.
Arrhythmogenic right ventricular dysplasia 2. Identifiers: MedGen C1832931.

Allele frequency attached by ClinVar (database versions not stated): ExAC 0.00001; gnomAD 0.00001; gnomAD exomes 0.00001 and 0.00002; TOPMed 0.00001.
gnomAD v4.1: 26 of 1,610,954 alleles (0.0016%); highest among the groups gnomAD compares: African/African-American, 0.0027%; no homozygotes.

Submissions (2):

Labcorp Genetics (formerly Invitae), Labcorp
Classification: Uncertain significance for Catecholaminergic polymorphic ventricular tachycardia 1. Last evaluated: 2025-11-17. Review status: criteria provided, single submitter. Criteria: Invitae Variant Classification Sherloc (09022015). Collection method: clinical testing. Allele origin: germline.
Comment: This sequence change replaces valine, which is neutral and non-polar, with isoleucine, which is neutral and non-polar, at codon 4634 of the RYR2 protein (p.Val4634Ile). The frequency data for this variant in the population databases is considered unreliable, as metrics indicate poor data quality at this position in the gnomAD database. This missense change has been observed in individual(s) with RYR2-related conditions (PMID: 38895864). ClinVar contains an entry for this variant (Variation ID: 1339057). Invitae Evidence Modeling of protein sequence and biophysical properties (such as structural, functional, and spatial information, amino acid conservation, physicochemical variation, residue mobility, and thermodynamic stability) indicates that this missense variant is expected to disrupt RYR2 protein function with a positive predictive value of 95%. In summary, the available evidence is currently insufficient to determine the role of this variant in disease. Therefore, it has been classified as a Variant of Uncertain Significance.

Neuberg Centre For Genomic Medicine, NCGM
Classification: Uncertain significance for Catecholaminergic polymorphic ventricular tachycardia 1. Review status: criteria provided, single submitter. Criteria: ACMG Guidelines, 2015. Collection method: clinical testing. Allele origin: germline. Affected: yes.
Comment: The missense variant p.V4634I in RYR2 (NM_001035.3) has not been reported previously as a pathogenic variant nor as a benign variant, to our knowledge.The p.V4634I missense variant is predicted to be damaging by both SIFT and PolyPhen2. The nucleotide c.13900 in RYR2 is predicted conserved by GERP++ and PhyloP across 100 vertebrates. For these reasons, this variant has been classified as Uncertain Significance.

Literature cited by the submitters: PubMed 38895864 (cited by Labcorp Genetics (formerly Invitae), Labcorp).

NM_001035.3(RYR2):c.13900G>A (p.Val4634Ile)

Gene: RYR2 (ryanodine receptor 2; plus strand). Cytogenetic location: 1q43.
Variant type: single nucleotide variant.
Coding change: c.13900G>A on transcript NM_001035.3 (MANE Select); coding-DNA position 13900, G replaced by A.
Protein change: p.Val4634Ile; replaces valine 4634 with isoleucine.
Molecular consequence: missense variant.
Genome position (GRCh38, 1-based): chr1:237,793,984, G>A. VCF-style: chr1-237793984-G-A. GRCh37 (hg19) VCF-style: chr1-237957284-G-A.
Other names: c.[13900G>A] (NM_001035.3); short protein forms V4634I.
Identifiers: ClinVar variation 1339057 (VCV001339057.4), dbSNP rs756310498, ClinGen allele CA085505.